The following is an entry in ClinVar:

ClinVar aggregate classification (germline): Likely benign. Review status: criteria provided, multiple submitters, no conflicts (2 of 4 stars). 2 submissions from 2 submitters: Likely benign (2). Last evaluated 2023-02-01.

Allele frequency attached by ClinVar (database versions not stated): TOPMed 0.00001.

Submissions (2):

CeGaT Center for Human Genetics Tuebingen
Classification: Likely benign. Last evaluated: 2023-02-01. Review status: criteria provided, single submitter. Criteria: CeGaT Center For Human Genetics Tuebingen Variant Classification Criteria Version 2. Collection method: clinical testing. Allele origin: germline. Affected: yes. Observed: 1 variant allele.
Comment: KMT2C: PM2:Supporting, BP4, BP7

Labcorp Genetics (formerly Invitae), Labcorp
Classification: Likely benign. Last evaluated: 2022-02-28. Review status: criteria provided, single submitter. Criteria: Invitae Variant Classification Sherloc (09022015). Collection method: clinical testing. Allele origin: germline.

NM_170606.3(KMT2C):c.13758C>T (p.Tyr4586=)

Gene: KMT2C (lysine methyltransferase 2C; minus strand). Cytogenetic location: 7q36.1.
Variant type: single nucleotide variant.
Coding change: c.13758C>T on transcript NM_170606.3 (MANE Select); coding-DNA position 13758, C replaced by T.
Protein change: p.Tyr4586=; no amino-acid change (tyrosine 4586 retained).
Molecular consequence: synonymous variant.
Genome position (GRCh38, 1-based): chr7:152,148,169, G>A on the plus strand (C>T on the coding strand, the complement: KMT2C is on the minus strand). VCF-style: chr7-152148169-G-A. GRCh37 (hg19) VCF-style: chr7-151845254-G-A.
Identifiers: ClinVar variation 1545096 (VCV001545096.31), dbSNP rs1238376994, ClinGen allele CA458693018.